The following is an entry in ClinVar:

ClinVar aggregate classification (germline): Likely benign. Review status: criteria provided, multiple submitters, no conflicts (2 of 4 stars). 3 submissions from 3 submitters: Likely benign (3). Last evaluated 2025-12-15.

Conditions:
Dilated cardiomyopathy 1G (CMD1G). Identifiers: Orphanet 154, MedGen C1858763, MONDO:0011400, OMIM 604145.
Autosomal recessive limb-girdle muscular dystrophy type 2J (LGMDR10). Also called: Limb-girdle muscular dystrophy, type 2J; MUSCULAR DYSTROPHY, LIMB-GIRDLE, AUTOSOMAL RECESSIVE 10. Identifiers: Orphanet 140922, MedGen C1837342, MONDO:0012127, OMIM 608807.
Cardiovascular phenotype. Identifiers: MedGen CN230736.

Allele frequency attached by ClinVar (database versions not stated): gnomAD exomes below 0.00001 and 0.00001; ExAC 0.00001; gnomAD 0.00001; TOPMed 0.00001.
gnomAD v4.1: 3 of 1,613,676 alleles (0.00019%); highest among the groups gnomAD compares: Admixed American, 0.0033%; no homozygotes.

Submissions (3):

Labcorp Genetics (formerly Invitae), Labcorp
Classification: Likely benign for Dilated cardiomyopathy 1G; Autosomal recessive limb-girdle muscular dystrophy type 2J. Last evaluated: 2025-12-15. Review status: criteria provided, single submitter. Criteria: Invitae Variant Classification Sherloc (09022015). Collection method: clinical testing. Allele origin: germline.

Ambry Genetics
Classification: Likely benign for Cardiovascular phenotype. Last evaluated: 2022-08-24. Review status: criteria provided, single submitter. Criteria: Ambry Variant Classification Scheme 2023. Collection method: clinical testing. Allele origin: germline.

GeneDx
Classification: Likely benign. Last evaluated: 2016-05-10. Review status: criteria provided, single submitter. Criteria: GeneDx Variant Classification (06012015). Collection method: clinical testing. Allele origin: germline. Affected: yes.
Comment: This variant is considered likely benign or benign based on one or more of the following criteria: it is a conservative change, it occurs at a poorly conserved position in the protein, it is predicted to be benign by multiple in silico algorithms, and/or has population frequency not consistent with disease.

NM_001267550.2(TTN):c.86535C>T (p.Thr28845=)

Genes: TTN (titin; minus strand), TTN-AS1 (TTN antisense RNA 1; plus strand). Cytogenetic location: 2q31.2.
Variant type: single nucleotide variant.
Coding change: c.86535C>T on transcript NM_001267550.2 (MANE Select); coding-DNA position 86535, C replaced by T.
Protein change: p.Thr28845=; no amino-acid change (threonine 28845 retained).
Molecular consequence: synonymous variant.
Genome position (GRCh38, 1-based): chr2:178,559,597, G>A on the plus strand (C>T on the coding strand, the complement: TTN is on the minus strand). VCF-style: chr2-178559597-G-A. GRCh37 (hg19) VCF-style: chr2-179424324-G-A.
Other names: c.81612C>T, p.Thr27204= (NM_001256850.1); c.59340C>T, p.Thr19780= (NM_003319.4); c.78831C>T, p.Thr26277= (NM_133378.4); c.59715C>T, p.Thr19905= (NM_133432.3); c.59916C>T, p.Thr19972= (NM_133437.4).
Identifiers: ClinVar variation 386130 (VCV000386130.15), dbSNP rs767091592, ClinGen allele CA1988486.